The following is an entry in ClinVar:

ClinVar aggregate classification (germline): Conflicting classifications of pathogenicity. Review status: criteria provided, conflicting classifications (1 of 4 stars). 3 submissions from 3 submitters: Uncertain significance (2); Benign (1). Last evaluated 2026-01-12.

Conditions:
Hereditary cancer-predisposing syndrome. Also called: Tumor predisposition; Hereditary Cancer Syndrome; Neoplastic Syndromes, Hereditary; Hereditary neoplastic syndrome. Identifiers: Orphanet 140162, MedGen C0027672, MeSH D009386, MONDO:0015356.
Tuberous sclerosis 2 (TSC2). Identifiers: Orphanet 805, MedGen C1860707, MONDO:0013199, OMIM 613254.
Tuberous sclerosis syndrome (TSC). Also called: Tuberous Sclerosis Complex; Tuberous sclerosis. Identifiers: Orphanet 805, MedGen C0041341, MONDO:0001734.

Allele frequency attached by ClinVar (database versions not stated): gnomAD exomes below 0.00001; ExAC 0.00001.
gnomAD v4.1: 1 of 1,614,112 alleles (0.000062%); no homozygotes.

Submissions (3):

Labcorp Genetics (formerly Invitae), Labcorp
Classification: Benign for Tuberous sclerosis 2. Last evaluated: 2026-01-12. Review status: criteria provided, single submitter. Criteria: Invitae Variant Classification Sherloc (09022015). Collection method: clinical testing. Allele origin: germline.

Ambry Genetics
Classification: Uncertain significance for Hereditary cancer-predisposing syndrome. Last evaluated: 2023-10-12. Review status: criteria provided, single submitter. Criteria: Ambry Variant Classification Scheme 2023. Collection method: clinical testing. Allele origin: germline.
Comment: The p.R418S variant (also known as c.1254G>T), located in coding exon 11 of the TSC2 gene, results from a G to T substitution at nucleotide position 1254. The arginine at codon 418 is replaced by serine, an amino acid with dissimilar properties. This amino acid position is highly conserved in available vertebrate species. In addition, this alteration is predicted to be deleterious by in silico analysis. Since supporting evidence is limited at this time, the clinical significance of this alteration remains unclear.

All of Us Research Program, National Institutes of Health
Classification: Uncertain significance for Tuberous sclerosis syndrome. Last evaluated: 2023-05-16. Review status: criteria provided, single submitter. Criteria: ACMG Guidelines, 2015. Collection method: clinical testing. Allele origin: germline. Inheritance: Autosomal dominant inheritance. Observed: 1 variant allele, 1 heterozygote.
Comment: This missense variant replaces arginine with serine at codon 418 of the TSC2 protein. Computational prediction suggests that this variant may not impact protein structure and function (internally defined REVEL score threshold <= 0.5, PMID: 27666373). To our knowledge, functional studies have not been reported for this variant. This variant has not been reported in individuals affected with TSC2-related disorders in the literature. This variant has been identified in 1/250656 chromosomes in the general population by the Genome Aggregation Database (gnomAD). The available evidence is insufficient to determine the role of this variant in disease conclusively. Therefore, this variant is classified as a Variant of Uncertain Significance.

This study involves interpretation of variants in research participants for the purpose of population health screening. Participant phenotype was not available at the time of variant classification. Additional details can be found in publication PMID: 35346344, PMCID: PMC8962531

NM_000548.5(TSC2):c.1254G>T (p.Arg418Ser)

Gene: TSC2 (TSC complex subunit 2; plus strand). Cytogenetic location: 16p13.3.
Variant type: single nucleotide variant.
Coding change: c.1254G>T on transcript NM_000548.5 (MANE Select); coding-DNA position 1254, G replaced by T.
Protein change: p.Arg418Ser; replaces arginine 418 with serine.
Molecular consequence: missense variant.
Genome position (GRCh38, 1-based): chr16:2,062,005, G>T. VCF-style: chr16-2062005-G-T. GRCh37 (hg19) VCF-style: chr16-2112006-G-T.
Other names: c.1254G>T (NM_000548.3); c.1254G>T, p.Arg418Ser (NM_001370405.1, NM_021055.3, NM_001077183.3 and 3 more transcripts); c.1143G>T, p.Arg381Ser (NM_001318827.2); c.1107G>T, p.Arg369Ser (NM_001318829.2); c.654G>T, p.Arg218Ser (NM_001318831.2); c.1287G>T, p.Arg429Ser (NM_001318832.2); short protein forms R218S, R369S, R381S, R418S, R429S.
Identifiers: ClinVar variation 1018899 (VCV001018899.10), dbSNP rs767670580, ClinGen allele CA028853.
Genomic context (GRCh38, chr16:2,062,005, plus strand): 5'-CGAGTTCCACGGGTCTCAGGAGAGATACTTTGAACTGGTGGAGAGATGTGCGGACCAGAG[G>T]CCTGTGAGACCCCCTCCTGGGTGGGGCCTTTGGGCTTTGGCTGGTGGGGAGGGGCCGGGT-3'
Protein context (NP_000539.2, residues 408-428): FELVERCADQ[Arg418Ser]PESSLLNLIS